The following is an entry in ClinVar:

NM_001943.5(DSG2):c.196A>C (p.Lys66Gln)

Gene: DSG2 (desmoglein 2; plus strand). Cytogenetic location: 18q12.1.
Variant type: single nucleotide variant.
Coding change: c.196A>C on transcript NM_001943.5 (MANE Select); coding-DNA position 196, A replaced by C.
Protein change: p.Lys66Gln; replaces lysine 66 with glutamine.
Molecular consequence: missense variant.
Genome position (GRCh38, 1-based): chr18:31,519,917, A>C. VCF-style: chr18-31519917-A-C. GRCh37 (hg19) VCF-style: chr18-29099880-A-C.
Other names: p.Lys66Gln; short protein forms K66Q.
Identifiers: ClinVar variation 2988125 (VCV002988125.5), dbSNP rs759603724, ClinGen allele CA402130981.

ClinVar aggregate classification (germline): Conflicting classifications of pathogenicity. Review status: criteria provided, conflicting classifications (1 of 4 stars). 3 submissions from 3 submitters: Uncertain significance (2); Likely benign (1). Last evaluated 2025-10-20.

Conditions:
Cardiovascular phenotype. Identifiers: MedGen CN230736.
Arrhythmogenic right ventricular dysplasia 10. Also called: Arrhythmogenic Right Ventricular Dysplasia/Cardiomyopathy10; ARRHYTHMOGENIC RIGHT VENTRICULAR DYSPLASIA, FAMILIAL, 10; Arrhythmogenic right ventricular dysplasia/cardiomyopathy, type 10. Identifiers: MedGen C1857777, MONDO:0012434, OMIM 610193.

Allele frequency attached by ClinVar (database versions not stated): TOPMed 0.00001.

Submissions (3):

Mayo Clinic Laboratories, Mayo Clinic
Classification: Uncertain significance. Last evaluated: 2025-10-20. Review status: criteria provided, single submitter. Criteria: ACMG Guidelines, 2015. Collection method: clinical testing. Allele origin: germline. Observed: 1 variant allele.
Comment: BP4_moderate, PM2_supporting

Ambry Genetics
Classification: Likely benign for Cardiovascular phenotype. Last evaluated: 2025-02-21. Review status: criteria provided, single submitter. Criteria: Ambry Variant Classification Scheme 2023. Collection method: clinical testing. Allele origin: germline.

Labcorp Genetics (formerly Invitae), Labcorp
Classification: Uncertain significance for Arrhythmogenic right ventricular dysplasia 10. Last evaluated: 2023-03-29. Review status: criteria provided, single submitter. Criteria: Invitae Variant Classification Sherloc (09022015). Collection method: clinical testing. Allele origin: germline.
Comment: This variant is not present in population databases (gnomAD no frequency). This sequence change replaces lysine, which is basic and polar, with glutamine, which is neutral and polar, at codon 66 of the DSG2 protein (p.Lys66Gln). Advanced modeling of protein sequence and biophysical properties (such as structural, functional, and spatial information, amino acid conservation, physicochemical variation, residue mobility, and thermodynamic stability) performed at Invitae indicates that this missense variant is not expected to disrupt DSG2 protein function. In summary, the available evidence is currently insufficient to determine the role of this variant in disease. Therefore, it has been classified as a Variant of Uncertain Significance. This variant has not been reported in the literature in individuals affected with DSG2-related conditions.